The following is an entry in ClinVar:

NM_006031.6(PCNT):c.2527C>T (p.Pro843Ser)

Gene: PCNT (pericentrin; plus strand). Cytogenetic location: 21q22.3.
Variant type: single nucleotide variant.
Coding change: c.2527C>T on transcript NM_006031.6 (MANE Select); coding-DNA position 2527, C replaced by T.
Protein change: p.Pro843Ser; replaces proline 843 with serine.
Molecular consequence: missense variant.
Genome position (GRCh38, 1-based): chr21:46,363,852, C>T. VCF-style: chr21-46363852-C-T. GRCh37 (hg19) VCF-style: chr21-47783767-C-T.
Other names: c.2173C>T, p.Pro725Ser (NM_001315529.2); short protein forms P725S, P843S.
Identifiers: ClinVar variation 2628768 (VCV002628768.1), dbSNP rs2518224574, ClinGen allele CA410568112.

ClinVar aggregate classification (germline): Uncertain significance (1 of 4 stars; one submission).

Conditions:
PCNT-related disorder. Also called: PCNT-related condition.

Submission:

PreventionGenetics, part of Exact Sciences
Classification: Uncertain significance for PCNT-related condition. Last evaluated: 2023-02-24. Review status: criteria provided, single submitter. Criteria: ACMG Guidelines, 2015. Collection method: clinical testing. Allele origin: germline.
Comment: The PCNT c.2527C>T variant is predicted to result in the amino acid substitution p.Pro843Ser. To our knowledge, this variant has not been reported in the literature or in a large population database, indicating this variant is rare. At this time, the clinical significance of this variant is uncertain due to the absence of conclusive functional and genetic evidence.